The following is an entry in ClinVar:

NM_000038.6(APC):c.7050C>T (p.Ser2350=)

Gene: APC (APC regulator of Wnt signaling pathway; plus strand). Cytogenetic location: 5q22.2.
Variant type: single nucleotide variant.
Coding change: c.7050C>T on transcript NM_000038.6 (MANE Select); coding-DNA position 7050, C replaced by T.
Protein change: p.Ser2350=; no amino-acid change (serine 2350 retained).
Molecular consequence: synonymous variant.
Genome position (GRCh38, 1-based): chr5:112,842,644, C>T. VCF-style: chr5-112842644-C-T. GRCh37 (hg19) VCF-style: chr5-112178341-C-T.
Other names: c.7050C>T, p.Ser2350= (NM_001127510.3, NM_001354895.2); c.6996C>T, p.Ser2332= (NM_001127511.3); c.7104C>T, p.Ser2368= (NM_001354896.2); c.7080C>T, p.Ser2360= (NM_001354897.2); c.6975C>T, p.Ser2325= (NM_001354898.2); c.6966C>T, p.Ser2322= (NM_001354899.2); c.6927C>T, p.Ser2309= (NM_001354900.2); c.6873C>T, p.Ser2291= (NM_001354901.2); and 5 more.
Identifiers: ClinVar variation 1087171 (VCV001087171.13), dbSNP rs78556145, ClinGen allele CA446210800.
Genomic context (GRCh38, chr5:112,842,644, plus strand): 5'-CCCTGGTAGAAATGGAATAAGTCCTCCTAACAAATTATCTCAACTTCCAAGGACATCATC[C>T]CCTAGTACTGCTTCAACTAAGTCCTCAGGTTCTGGAAAAATGTCATATACATCTCCAGGT-3'
Protein context (NP_000029.2, residues 2340-2360): NKLSQLPRTS[Ser2350=]PSTASTKSSG

ClinVar aggregate classification (germline): Benign/Likely benign. Review status: criteria provided, multiple submitters, no conflicts (2 of 4 stars). 4 submissions from 4 submitters: Benign (1); Likely benign (3). Last evaluated 2025-07-14.

Conditions:
Hereditary cancer-predisposing syndrome. Also called: Hereditary Cancer Syndrome; Neoplastic Syndromes, Hereditary; Hereditary neoplastic syndrome; Tumor predisposition. Identifiers: Orphanet 140162, MedGen C0027672, MeSH D009386, MONDO:0015356.
Familial adenomatous polyposis 1 (FAP1). Also called: POLYPOSIS, ADENOMATOUS INTESTINAL; FAMILIAL ADENOMATOUS POLYPOSIS 1, ATTENUATED. Identifiers: MedGen C2713442, MONDO:0021056, OMIM 175100. Disease mechanism: loss of function.

Allele frequency attached by ClinVar (database versions not stated): gnomAD exomes 0.00001.
gnomAD v4.1: 6 of 1,613,860 alleles (0.00037%); highest among the groups gnomAD compares: Non-Finnish European, 0.00051%; no homozygotes.

Submissions (4):

Color Diagnostics, LLC DBA Color Health
Classification: Likely benign for Hereditary cancer-predisposing syndrome. Last evaluated: 2025-07-14. Review status: criteria provided, single submitter. Criteria: ACMG Guidelines, 2015. Collection method: clinical testing. Allele origin: germline.

Labcorp Genetics (formerly Invitae), Labcorp
Classification: Likely benign for Familial adenomatous polyposis 1. Last evaluated: 2024-05-18. Review status: criteria provided, single submitter. Criteria: Invitae Variant Classification Sherloc (09022015). Collection method: clinical testing. Allele origin: germline.

Myriad Genetics, Inc.
Classification: Benign for Familial adenomatous polyposis 1. Last evaluated: 2024-04-08. Review status: criteria provided, single submitter. Criteria: Myriad Autosomal Dominant, Autosomal Recessive and X-Linked Classification Criteria (2023). Collection method: clinical testing. Allele origin: unknown.
Comment: This variant is considered benign. This variant is a silent/synonymous amino acid change and it is not expected to impact splicing.

Ambry Genetics
Classification: Likely benign for Hereditary cancer-predisposing syndrome. Last evaluated: 2020-12-30. Review status: criteria provided, single submitter. Criteria: Ambry Variant Classification Scheme 2023. Collection method: clinical testing. Allele origin: germline.